The following is an entry in ClinVar:

ClinVar aggregate classification (germline): Uncertain significance. Review status: criteria provided, single submitter (1 of 4 stars). 2 submissions from 2 submitters: Uncertain significance (1). 1 of the submissions does not count toward it. Last evaluated 2021-08-30.

Conditions:
Developmental and epileptic encephalopathy. Identifiers: MedGen C5779964, MONDO:0100620.

Allele frequency attached by ClinVar (database versions not stated): gnomAD exomes below 0.00001.
gnomAD v4.1: 6 of 1,572,970 alleles (0.00038%); highest among the groups gnomAD compares: Middle Eastern, 0.017%; no homozygotes.

Submissions (2):

Labcorp Genetics (formerly Invitae), Labcorp
Classification: Uncertain significance for Early-infantile DEE. Last evaluated: 2021-08-30. Review status: criteria provided, single submitter. Criteria: Invitae Variant Classification Sherloc (09022015). Collection method: clinical testing. Allele origin: germline.
Comment: This sequence change replaces arginine with cysteine at codon 136 of the SLC25A22 protein (p.Arg136Cys). The arginine residue is highly conserved and there is a large physicochemical difference between arginine and cysteine. This variant is not present in population databases (ExAC no frequency). This variant has not been reported in the literature in individuals affected with SLC25A22-related conditions. Algorithms developed to predict the effect of missense changes on protein structure and function are either unavailable or do not agree on the potential impact of this missense change (SIFT: "Deleterious"; PolyPhen-2: "Probably Damaging"; Align-GVGD: "Class C15"). In summary, the available evidence is currently insufficient to determine the role of this variant in disease. Therefore, it has been classified as a Variant of Uncertain Significance.

Department of Pathology and Laboratory Medicine, Sinai Health System
Classification: Uncertain significance. Review status: no assertion criteria provided. Collection method: clinical testing. Allele origin: unknown. Affected: yes. Study: The Canadian Open Genetics Repository (COGR). Not counted in ClinVar's aggregate classification.
Comment: The SLC25A22 p.Arg136Cys variant was not identified in the literature nor was it identified in dbSNP, ClinVar, Cosmic, LOVD 3.0 or in the following control databases: the 1000 Genomes Project, the NHLBI GO Exome Sequencing Project, the Exome Aggregation Consortium (August 8th 2016), or the Genome Aggregation Database (Feb 27, 2017). The variant occurs outside of the splicing consensus sequence and 3 of 4 in silico or computational prediction software programs (SpliceSiteFinder, MaxEntScan, NNSPLICE) do not predict a change in splicing. The p.Arg136 residue is conserved in mammals but not in more distantly related organisms, and four out of five computational analyses (PolyPhen-2, SIFT, BLOSUM, MutationTaster) suggest that the variant may impact the protein; however, this information is not predictive enough to assume pathogenicity. In summary, based on the above information the clinical significance of this variant cannot be determined with certainty at this time. This variant is classified as a variant of uncertain significance.

NM_001191061.2(SLC25A22):c.406C>T (p.Arg136Cys)

Gene: SLC25A22 (solute carrier family 25 member 22; minus strand). Cytogenetic location: 11p15.5.
Variant type: single nucleotide variant.
Coding change: c.406C>T on transcript NM_001191061.2 (MANE Select); coding-DNA position 406, C replaced by T.
Protein change: p.Arg136Cys; replaces arginine 136 with cysteine.
Molecular consequence: missense variant.
Genome position (GRCh38, 1-based): chr11:792,876, G>A on the plus strand (C>T on the coding strand, the complement: SLC25A22 is on the minus strand). VCF-style: chr11-792876-G-A. GRCh37 (hg19) VCF-style: chr11-792876-G-A.
Other names: c.406C>T, p.Arg136Cys (NM_001191060.2, NM_024698.6); short protein forms R136C.
Identifiers: ClinVar variation 1021974 (VCV001021974.8), dbSNP rs758107712, ClinGen allele CA378970520.
Genomic context (GRCh38, chr11:792,876, plus strand): 5'-GCCCTCACCTCTTCCCGCACCTCTGCCCTCTCCTCCCCCTCCCCCCGCCCTCACCAATGC[G>A]CCCTGCATCCTGCAGCTGGATCTTCAGCATCTCCATGGGCGTGGTCACGATCACCTGGCA-3'
Protein context (NP_001177990.1, residues 126-146): MLKIQLQDAG[Arg136Cys]IAAQRKILAA